The following is an entry in ClinVar:

ClinVar aggregate classification (germline): Uncertain significance. Review status: criteria provided, multiple submitters, no conflicts (2 of 4 stars). 3 submissions from 3 submitters: Uncertain significance (3). Last evaluated 2025-03-27.

Conditions:
Epilepsy, idiopathic generalized, susceptibility to, 11 (EIG11). Identifiers: Orphanet 307, MedGen C2750893, MONDO:0011875, OMIM 607628.
Familial hyperaldosteronism type II. Also called: FH II. Identifiers: Orphanet 404, MedGen C1854107, MONDO:0011576, OMIM 605635.
Leukoencephalopathy with mild cerebellar ataxia and white matter edema (LKPAT). Also called: CLCN2-Related Leukoencephalopathy; Leukoencephalopathy with ataxia; Leukoencephalopathy with white matter edema; Brain white matter edema. Identifiers: Orphanet 363540, MedGen C4554120, MONDO:0014292, OMIM 615651. Disease mechanism: loss of function.
Inborn genetic diseases. Identifiers: MedGen C0950123, MeSH D030342.

Allele frequency attached by ClinVar (database versions not stated): TOPMed 0.00001; gnomAD 0.00002; ExAC 0.00004.
gnomAD v4.1: 14 of 1,613,618 alleles (0.00087%); highest among the groups gnomAD compares: East Asian, 0.0089%; no homozygotes.

Submissions (3):

Ambry Genetics
Classification: Uncertain significance for Inborn genetic diseases. Last evaluated: 2025-03-27. Review status: criteria provided, single submitter. Criteria: Ambry Variant Classification Scheme 2023. Collection method: clinical testing. Allele origin: germline.

Fulgent Genetics
Classification: Uncertain significance for Familial hyperaldosteronism type II; Epilepsy, idiopathic generalized, susceptibility to, 11; Leukoencephalopathy with mild cerebellar ataxia and white matter edema. Last evaluated: 2024-01-20. Review status: criteria provided, single submitter. Criteria: ACMG Guidelines, 2015. Collection method: clinical testing. Allele origin: germline.

Labcorp Genetics (formerly Invitae), Labcorp
Classification: Uncertain significance. Last evaluated: 2022-07-19. Review status: criteria provided, single submitter. Criteria: Invitae Variant Classification Sherloc (09022015). Collection method: clinical testing. Allele origin: germline.
Comment: Advanced modeling of protein sequence and biophysical properties (such as structural, functional, and spatial information, amino acid conservation, physicochemical variation, residue mobility, and thermodynamic stability) performed at Invitae indicates that this missense variant is not expected to disrupt CLCN2 protein function. In summary, the available evidence is currently insufficient to determine the role of this variant in disease. Therefore, it has been classified as a Variant of Uncertain Significance. This variant has not been reported in the literature in individuals affected with CLCN2-related conditions. This variant is present in population databases (rs753448120, gnomAD 0.02%). This sequence change replaces alanine, which is neutral and non-polar, with aspartic acid, which is acidic and polar, at codon 32 of the CLCN2 protein (p.Ala32Asp).

NM_004366.6(CLCN2):c.95C>A (p.Ala32Asp)

Gene: CLCN2 (chloride voltage-gated channel 2; minus strand). Cytogenetic location: 3q27.1.
Variant type: single nucleotide variant.
Coding change: c.95C>A on transcript NM_004366.6 (MANE Select); coding-DNA position 95, C replaced by A.
Protein change: p.Ala32Asp; replaces alanine 32 with aspartic acid.
Molecular consequence: missense variant.
Genome position (GRCh38, 1-based): chr3:184,359,100, G>T on the plus strand (C>A on the coding strand, the complement: CLCN2 is on the minus strand). VCF-style: chr3-184359100-G-T. GRCh37 (hg19) VCF-style: chr3-184076888-G-T.
Other names: c.95C>A (NM_004366.4); c.95C>A, p.Ala32Asp (NM_001171087.3, NM_001171088.3, NM_001171089.3); short protein forms A32D.
Identifiers: ClinVar variation 2073861 (VCV002073861.6), dbSNP rs753448120, ClinGen allele CA2734605.